The following is an entry in ClinVar:

ClinVar aggregate classification (germline): Uncertain significance (1 of 4 stars; one submission).

Allele frequency attached by ClinVar (database versions not stated): gnomAD exomes 0.00001; gnomAD 0.00001; ExAC 0.00002; TOPMed 0.00002.
gnomAD v4.1: 16 of 1,614,004 alleles (0.00099%); highest among the groups gnomAD compares: Non-Finnish European, 0.0013%; no homozygotes.

Submission:

GeneDx
Classification: Uncertain significance. Last evaluated: 2019-04-05. Review status: criteria provided, single submitter. Criteria: GeneDx Variant Classification Process June 2021. Collection method: clinical testing. Allele origin: germline. Affected: yes.
Comment: Not observed at a significant frequency in large population cohorts (Lek et al., 2016); In silico analysis, which includes protein predictors and evolutionary conservation, supports a deleterious effect; Has not been previously published as pathogenic or benign to our knowledge

NM_022166.4(XYLT1):c.2410G>A (p.Glu804Lys)

Gene: XYLT1 (xylosyltransferase 1; minus strand). Cytogenetic location: 16p12.3.
Variant type: single nucleotide variant.
Coding change: c.2410G>A on transcript NM_022166.4 (MANE Select); coding-DNA position 2410, G replaced by A.
Protein change: p.Glu804Lys; replaces glutamic acid 804 with lysine.
Molecular consequence: missense variant.
Genome position (GRCh38, 1-based): chr16:17,117,793, C>T on the plus strand (G>A on the coding strand, the complement: XYLT1 is on the minus strand). VCF-style: chr16-17117793-C-T. GRCh37 (hg19) VCF-style: chr16-17211650-C-T.
Other names: short protein forms E804K.
Identifiers: ClinVar variation 1308543 (VCV001308543.2), dbSNP rs775881502, ClinGen allele CA7927580.